The following is an entry in ClinVar:

NM_001267550.2(TTN):c.77248C>T (p.Arg25750Ter)

Genes: TTN (titin; minus strand), TTN-AS1 (TTN antisense RNA 1; plus strand). Cytogenetic location: 2q31.2.
Variant type: single nucleotide variant.
Coding change: c.77248C>T on transcript NM_001267550.2 (MANE Select); coding-DNA position 77248, C replaced by T.
Protein change: p.Arg25750Ter; replaces arginine 25750 with a stop codon.
Molecular consequence: nonsense.
Genome position (GRCh38, 1-based): chr2:178,568,884, G>A on the plus strand (C>T on the coding strand, the complement: TTN is on the minus strand). VCF-style: chr2-178568884-G-A. GRCh37 (hg19) VCF-style: chr2-179433611-G-A.
Other names: c.77248C>T (NM_001267550.1); c.72325C>T, p.Arg24109Ter (NM_001256850.1); c.50053C>T, p.Arg16685Ter (NM_003319.4); c.69544C>T, p.Arg23182Ter (NM_133378.4); c.50428C>T, p.Arg16810Ter (NM_133432.3); c.50629C>T, p.Arg16877Ter (NM_133437.4); short protein forms R16877*, R16685*, R24109*, R25750*, R16810*, R23182*.
Identifiers: ClinVar variation 652709 (VCV000652709.14), dbSNP rs1575714442, ClinGen allele CA349611659.

ClinVar aggregate classification (germline): Likely pathogenic. Review status: criteria provided, multiple submitters, no conflicts (2 of 4 stars). 2 submissions from 2 submitters: Likely pathogenic (2). Last evaluated 2026-10-14.

Conditions:
Dilated cardiomyopathy 1G (CMD1G). Identifiers: Orphanet 154, MedGen C1858763, MONDO:0011400, OMIM 604145.
Autosomal recessive limb-girdle muscular dystrophy type 2J (LGMDR10). Also called: Limb-girdle muscular dystrophy, type 2J; MUSCULAR DYSTROPHY, LIMB-GIRDLE, AUTOSOMAL RECESSIVE 10. Identifiers: Orphanet 140922, MedGen C1837342, MONDO:0012127, OMIM 608807.

gnomAD v4.1: 2 of 1,612,974 alleles (0.00012%); highest among the groups gnomAD compares: Non-Finnish European, 0.00017%; no homozygotes.

Submissions (2):

GeneDx
Classification: Likely pathogenic. Last evaluated: 2026-10-14. Review status: criteria provided, single submitter. Criteria: GeneDx Variant Classification Process June 2021. Collection method: clinical testing. Allele origin: germline.
Comment: Nonsense variant predicted to result in protein truncation or nonsense mediated decay in a gene for which loss of function is a known mechanism of disease; Not observed at significant frequency in large population cohorts (gnomAD); Located in the A-band, a region of TTN for which truncating variants are significantly associated with autosomal dominant cardiomyopathy and also with autosomal recessive skeletal myopathies (PMID: 22335739, 32778822); This variant is associated with the following publications: (PMID: 31983221, 24575448, 22335739, 32778822)

Labcorp Genetics (formerly Invitae), Labcorp
Classification: Likely pathogenic for Dilated cardiomyopathy 1G; Autosomal recessive limb-girdle muscular dystrophy type 2J. Last evaluated: 2025-05-05. Review status: criteria provided, single submitter. Criteria: Invitae Variant Classification Sherloc (09022015). Collection method: clinical testing. Allele origin: germline.
Comment: This sequence change creates a premature translational stop signal (p.Arg25750*) in the TTN gene. While this is not anticipated to result in nonsense mediated decay, it is expected to create a truncated TTN protein. This variant is not present in population databases (gnomAD no frequency). This premature translational stop signal has been observed in individual(s) with dilated cardiomyopathy (PMID: 31983221). ClinVar contains an entry for this variant (Variation ID: 652709). This variant is located in the A band of TTN (PMID: 25589632). Truncating variants in this region are significantly overrepresented in patients affected with dilated cardiomyopathy (PMID: 25589632). Truncating variants in this region have also been reported in individuals affected with autosomal recessive centronuclear myopathy (PMID: 23975875). In summary, the currently available evidence indicates that the variant is pathogenic, but additional data are needed to prove that conclusively. Therefore, this variant has been classified as Likely Pathogenic.

Literature cited by the submitters: PubMed 31983221 (cited by Labcorp Genetics (formerly Invitae), Labcorp); PubMed 25589632 (cited by Labcorp Genetics (formerly Invitae), Labcorp); PubMed 23975875 (cited by Labcorp Genetics (formerly Invitae), Labcorp).